The following is an entry in ClinVar:

ClinVar aggregate classification (germline): Uncertain significance. Review status: criteria provided, multiple submitters, no conflicts (2 of 4 stars). 5 submissions from 5 submitters: Uncertain significance (5). Last evaluated 2024-03-28.

Conditions:
Inborn genetic diseases. Identifiers: MedGen C0950123, MeSH D030342.
Microcephaly 1, primary, autosomal recessive (MCPH1). Also called: PREMATURE CHROMOSOME CONDENSATION SYNDROME; PCC SYNDROME; PREMATURE CHROMOSOME CONDENSATION WITH MICROCEPHALY AND MENTAL RETARDATION. Identifiers: Orphanet 2512, MedGen C1855081, MONDO:0009617, OMIM 251200.

Allele frequency attached by ClinVar (database versions not stated): TOPMed 0.00007; ESP Exome Variant Server 0.00008; gnomAD 0.00010 and 0.00011; gnomAD exomes 0.00011; ExAC 0.00014.
gnomAD v4.1: 199 of 1,614,248 alleles (0.012%); highest among the groups gnomAD compares: Non-Finnish European, 0.015%; no homozygotes.

Submissions (5):

Ambry Genetics
Classification: Uncertain significance for Inborn genetic diseases. Last evaluated: 2024-03-28. Review status: criteria provided, single submitter. Criteria: Ambry Variant Classification Scheme 2023. Collection method: clinical testing. Allele origin: germline.

Labcorp Genetics (formerly Invitae), Labcorp
Classification: Uncertain significance. Last evaluated: 2024-01-22. Review status: criteria provided, single submitter. Criteria: Invitae Variant Classification Sherloc (09022015). Collection method: clinical testing. Allele origin: germline.
Comment: This sequence change replaces serine, which is neutral and polar, with isoleucine, which is neutral and non-polar, at codon 560 of the MCPH1 protein (p.Ser560Ile). This variant is present in population databases (rs201405704, gnomAD 0.02%). This variant has not been reported in the literature in individuals affected with MCPH1-related conditions. ClinVar contains an entry for this variant (Variation ID: 158822). Advanced modeling of protein sequence and biophysical properties (such as structural, functional, and spatial information, amino acid conservation, physicochemical variation, residue mobility, and thermodynamic stability) performed at Invitae indicates that this missense variant is not expected to disrupt MCPH1 protein function with a negative predictive value of 80%. In summary, the available evidence is currently insufficient to determine the role of this variant in disease. Therefore, it has been classified as a Variant of Uncertain Significance.

GeneDx
Classification: Uncertain significance. Last evaluated: 2023-07-18. Review status: criteria provided, single submitter. Criteria: GeneDx Variant Classification Process June 2021. Collection method: clinical testing. Allele origin: germline. Affected: yes.
Comment: In silico analysis supports that this missense variant has a deleterious effect on protein structure/function; Has not been previously published as pathogenic or benign to our knowledge

Fulgent Genetics
Classification: Uncertain significance for Microcephaly 1, primary, autosomal recessive. Last evaluated: 2018-10-31. Review status: criteria provided, single submitter. Criteria: ACMG Guidelines, 2015. Collection method: clinical testing. Allele origin: unknown.

Genetic Services Laboratory, University of Chicago
Classification: Uncertain significance for Microcephaly 1, primary, autosomal recessive. Last evaluated: 2013-09-27. Review status: criteria provided, single submitter. Criteria: ACMG Guidelines, 2007. Collection method: clinical testing. Allele origin: germline. Inheritance: Autosomal recessive inheritance.

NM_024596.5(MCPH1):c.1679G>T (p.Ser560Ile)

Gene: MCPH1 (microcephalin 1; plus strand). Cytogenetic location: 8p23.1.
Variant type: single nucleotide variant.
Coding change: c.1679G>T on transcript NM_024596.5 (MANE Select); coding-DNA position 1679, G replaced by T.
Protein change: p.Ser560Ile; replaces serine 560 with isoleucine.
Molecular consequence: missense variant. On other transcripts: non-coding transcript variant (1).
Genome position (GRCh38, 1-based): chr8:6,445,401, G>T. VCF-style: chr8-6445401-G-T. GRCh37 (hg19) VCF-style: chr8-6302922-G-T.
Other names: c.1679G>T, p.Ser560Ile (NM_001172574.2, NM_001322042.2, NM_001363979.1 and 1 more transcripts); c.1535G>T, p.Ser512Ile (NM_001172575.2); c.1673G>T, p.Ser558Ile (NM_001322043.2); c.1577G>T, p.Ser526Ile (NM_001322045.2); short protein forms S560I, S558I, S512I, S526I.
Identifiers: ClinVar variation 158822 (VCV000158822.12), dbSNP rs201405704, ClinGen allele CA271682.